The following is an entry in ClinVar:

ClinVar aggregate classification (germline): Uncertain significance. Review status: criteria provided, multiple submitters, no conflicts (2 of 4 stars). 2 submissions from 2 submitters: Uncertain significance (2). Last evaluated 2025-10-29.

Allele frequency attached by ClinVar (database versions not stated): TOPMed 0.00001.
gnomAD v4.1: 11 of 1,608,002 alleles (0.00068%); highest among the groups gnomAD compares: Non-Finnish European, 0.00093%; no homozygotes.

Submissions (2):

Labcorp Genetics (formerly Invitae), Labcorp
Classification: Uncertain significance. Last evaluated: 2025-10-29. Review status: criteria provided, single submitter. Criteria: Invitae Variant Classification Sherloc (09022015). Collection method: clinical testing. Allele origin: germline.
Comment: This sequence change replaces alanine, which is neutral and non-polar, with proline, which is neutral and non-polar, at codon 4718 of the USH2A protein (p.Ala4718Pro). This variant is present in population databases (no rsID available, gnomAD 0.007%). This variant has not been reported in the literature in individuals affected with USH2A-related conditions. ClinVar contains an entry for this variant (Variation ID: 1488993). Invitae Evidence Modeling of protein sequence and biophysical properties (such as structural, functional, and spatial information, amino acid conservation, physicochemical variation, residue mobility, and thermodynamic stability) has been performed for this missense variant. However, the output from this modeling did not meet the statistical confidence thresholds required to predict the impact of this variant on USH2A protein function. In summary, the available evidence is currently insufficient to determine the role of this variant in disease. Therefore, it has been classified as a Variant of Uncertain Significance.

Blueprint Genetics
Classification: Uncertain significance. Last evaluated: 2023-10-03. Review status: criteria provided, single submitter. Criteria: ACMG Guidelines, 2015. Collection method: clinical testing. Allele origin: germline.

NM_206933.4(USH2A):c.14152G>C (p.Ala4718Pro)

Gene: USH2A (usherin; minus strand). Cytogenetic location: 1q41.
Variant type: single nucleotide variant.
Coding change: c.14152G>C on transcript NM_206933.4 (MANE Select); coding-DNA position 14152, G replaced by C.
Protein change: p.Ala4718Pro; replaces alanine 4718 with proline.
Molecular consequence: missense variant.
Genome position (GRCh38, 1-based): chr1:215,650,783, C>G on the plus strand (G>C on the coding strand, the complement: USH2A is on the minus strand). VCF-style: chr1-215650783-C-G. GRCh37 (hg19) VCF-style: chr1-215824125-C-G.
Other names: short protein forms A4718P.
Identifiers: ClinVar variation 1488993 (VCV001488993.5), dbSNP rs1038432544, ClinGen allele CA344835972.